The following is an entry in ClinVar:

NM_000642.3(AGL):c.959-300T>C

Gene: AGL (amylo-alpha-1,6-glucosidase and 4-alpha-glucanotransferase; plus strand). Cytogenetic location: 1p21.2.
Variant type: single nucleotide variant.
Coding change: c.959-300T>C on transcript NM_000642.3 (MANE Select); 300 bases into the intron before coding-DNA position 959, T replaced by C.
Molecular consequence: intron variant.
Genome position (GRCh38, 1-based): chr1:99,874,387, T>C. VCF-style: chr1-99874387-T-C. GRCh37 (hg19) VCF-style: chr1-100339943-T-C.
Other names: c.959-300T>C (NM_000643.3, NM_000644.3, NM_001425326.1 and 3 more transcripts); c.911-300T>C (NM_000646.3); c.755-300T>C (NM_001425328.1, NM_001425329.1); c.581-300T>C (NM_001425332.1).
Identifiers: ClinVar variation 682724 (VCV000682724.2), dbSNP rs58794035, ClinGen allele CA15071042.

ClinVar aggregate classification (germline): Benign. Review status: criteria provided, multiple submitters, no conflicts (2 of 4 stars). 2 submissions from 2 submitters: Benign (2). Last evaluated 2018-06-14.

Allele frequency attached by ClinVar (database versions not stated): gnomAD exomes 0.10042; 1000 Genomes Project 0.16633; 1000 Genomes Project 30x 0.17130; TOPMed 0.18419.
gnomAD v4.1: 31,173 of 192,062 alleles (16%); highest among the groups gnomAD compares: African/African-American, 34%; 3,534 homozygotes.

Submissions (2):

GeneDx
Classification: Benign. Last evaluated: 2018-06-14. Review status: criteria provided, single submitter. Criteria: GeneDx Variant Classification (06012015). Collection method: clinical testing. Allele origin: germline. Affected: yes.
Comment: This variant is considered likely benign or benign based on one or more of the following criteria: it is a conservative change, it occurs at a poorly conserved position in the protein, it is predicted to be benign by multiple in silico algorithms, and/or has population frequency not consistent with disease.

Breakthrough Genomics
Classification: Benign. Review status: criteria provided, single submitter. Criteria: ACMG Guidelines, 2015. Collection method: not provided. Allele origin: germline. Inheritance: Autosomal recessive inheritance. Affected: yes.